The following is an entry in ClinVar:

NM_004260.4(RECQL4):c.3236+4G>A

Gene: RECQL4 (RecQ like helicase 4; minus strand). Cytogenetic location: 8q24.3.
Variant type: single nucleotide variant.
Coding change: c.3236+4G>A on transcript NM_004260.4 (MANE Select); 4 bases into the intron after coding-DNA position 3236, G replaced by A.
Molecular consequence: intron variant.
Genome position (GRCh38, 1-based): chr8:144,512,140, C>T on the plus strand (G>A on the coding strand, the complement: RECQL4 is on the minus strand). VCF-style: chr8-144512140-C-T. GRCh37 (hg19) VCF-style: chr8-145737523-C-T.
Identifiers: ClinVar variation 239760 (VCV000239760.9), dbSNP rs575764344, ClinGen allele CA4947878.

ClinVar aggregate classification (germline): Uncertain significance. Review status: criteria provided, single submitter (1 of 4 stars). 2 submissions from 2 submitters: Uncertain significance (1). 1 of the submissions does not count toward it. Last evaluated 2024-01-10.

Conditions:
RECQL4-related disorder. Also called: RECQL4-related condition; RECQL4-related disorders.
Baller-Gerold syndrome (BGS). Also called: CRANIOSYNOSTOSIS WITH RADIAL DEFECTS. Identifiers: Orphanet 1225, MedGen C0265308, MONDO:0009039, OMIM 218600.

Allele frequency attached by ClinVar (database versions not stated): gnomAD 0.00001 and 0.00002; gnomAD exomes 0.00001 and 0.00003; TOPMed 0.00001; ExAC 0.00002; 1000 Genomes Project 0.00020; 1000 Genomes Project 30x 0.00031.
gnomAD v4.1: 24 of 1,605,674 alleles (0.0015%); highest among the groups gnomAD compares: Middle Eastern, 0.017%; no homozygotes.

Submissions (2):

Labcorp Genetics (formerly Invitae), Labcorp
Classification: Uncertain significance for Baller-Gerold syndrome. Last evaluated: 2024-01-10. Review status: criteria provided, single submitter. Criteria: Invitae Variant Classification Sherloc (09022015). Collection method: clinical testing. Allele origin: germline.
Comment: This sequence change falls in intron 18 of the RECQL4 gene. It does not directly change the encoded amino acid sequence of the RECQL4 protein. It affects a nucleotide within the consensus splice site. This variant is present in population databases (rs575764344, gnomAD 0.04%). This variant has not been reported in the literature in individuals affected with RECQL4-related conditions. ClinVar contains an entry for this variant (Variation ID: 239760). Variants that disrupt the consensus splice site are a relatively common cause of aberrant splicing (PMID: 17576681, 9536098). Algorithms developed to predict the effect of sequence changes on RNA splicing suggest that this variant is not likely to affect RNA splicing. In summary, the available evidence is currently insufficient to determine the role of this variant in disease. Therefore, it has been classified as a Variant of Uncertain Significance.

PreventionGenetics, part of Exact Sciences
Classification: Likely benign for RECQL4-related condition. Last evaluated: 2023-09-27. Review status: no assertion criteria provided. Collection method: clinical testing. Allele origin: germline. Not counted in ClinVar's aggregate classification.
Comment: This variant is classified as likely benign based on ACMG/AMP sequence variant interpretation guidelines (Richards et al. 2015 PMID: 25741868, with internal and published modifications).

Literature cited by the submitters: PubMed 17576681 (cited by Labcorp Genetics (formerly Invitae), Labcorp); PubMed 9536098 (cited by Labcorp Genetics (formerly Invitae), Labcorp).